The following is an entry in ClinVar:

ClinVar aggregate classification (germline): Likely benign. Review status: criteria provided, single submitter (1 of 4 stars). 2 submissions from 2 submitters: Likely benign (1). 1 of the submissions does not count toward it. Last evaluated 2026-01-19.

Conditions:
Combined malonic and methylmalonic acidemia. Identifiers: Orphanet 289504, MedGen C3280314, MONDO:0013661, OMIM 614265.
ACSF3-related disorder. Also called: ACSF3-related condition.

Allele frequency attached by ClinVar (database versions not stated): gnomAD 0.00004 and 0.00005; TOPMed 0.00008.

Submissions (2):

Labcorp Genetics (formerly Invitae), Labcorp
Classification: Likely benign for Combined malonic and methylmalonic acidemia. Last evaluated: 2026-01-19. Review status: criteria provided, single submitter. Criteria: Invitae Variant Classification Sherloc (09022015). Collection method: clinical testing. Allele origin: germline.

PreventionGenetics, part of Exact Sciences
Classification: Likely benign for ACSF3-related condition. Last evaluated: 2019-09-17. Review status: no assertion criteria provided. Collection method: clinical testing. Allele origin: germline. Not counted in ClinVar's aggregate classification.
Comment: This variant is classified as likely benign based on ACMG/AMP sequence variant interpretation guidelines (Richards et al. 2015 PMID: 25741868, with internal and published modifications).

NM_001243279.3(ACSF3):c.759G>A (p.Ala253=)

Gene: ACSF3 (acyl-CoA synthetase family member 3; plus strand). Cytogenetic location: 16q24.3.
Variant type: single nucleotide variant.
Coding change: c.759G>A on transcript NM_001243279.3 (MANE Select); coding-DNA position 759, G replaced by A.
Protein change: p.Ala253=; no amino-acid change (alanine 253 retained).
Molecular consequence: synonymous variant. On other transcripts: 5 prime UTR variant (1), non-coding transcript variant (3).
Genome position (GRCh38, 1-based): chr16:89,102,696, G>A. VCF-style: chr16-89102696-G-A. GRCh37 (hg19) VCF-style: chr16-89169104-G-A.
Other names: c.759G>A, p.Ala253= (NM_001127214.4, NM_174917.5); c.-37G>A (NM_001284316.2).
Identifiers: ClinVar variation 758866 (VCV000758866.12), dbSNP rs765643653, ClinGen allele CA8237786.